The following is an entry in ClinVar:

NM_000059.4(BRCA2):c.7526G>A (p.Ser2509Asn)

Gene: BRCA2 (BRCA2 DNA repair associated; plus strand). Cytogenetic location: 13q13.1.
Variant type: single nucleotide variant.
Coding change: c.7526G>A on transcript NM_000059.4 (MANE Select); coding-DNA position 7526, G replaced by A.
Protein change: p.Ser2509Asn; replaces serine 2509 with asparagine.
Molecular consequence: missense variant.
Genome position (GRCh38, 1-based): chr13:32,356,518, G>A. VCF-style: chr13-32356518-G-A. GRCh37 (hg19) VCF-style: chr13-32930655-G-A.
Other names: short protein forms S2509N.
Identifiers: ClinVar variation 433815 (VCV000433815.3), dbSNP rs1555286271, ClinGen allele CA387743561.
Genomic context (GRCh38, chr13:32,356,518, plus strand): 5'-ATATACAGGATATGCGAATTAAGAAGAAACAAAGGCAACGCGTCTTTCCACAGCCAGGCA[G>A]TCTGTATCTTGCAAAAACATCCACTCTGCCTCGAATCTCTCTGAAAGCAGCAGTAGGAGG-3'
Protein context (NP_000050.3, residues 2499-2519): QRQRVFPQPG[Ser2509Asn]LYLAKTSTLP

ClinVar aggregate classification (germline): Uncertain significance (0 of 4 stars; one submission).

Conditions:
Malignant tumor of breast. Also called: Malignant breast neoplasm; Cancer breast. Identifiers: MedGen C0006142, MONDO:0007254. Disease mechanism: loss of function.

Submission:

Department of Pathology and Laboratory Medicine, Sinai Health System
Classification: Uncertain significance for Malignant tumor of breast. Review status: no assertion criteria provided. Collection method: clinical testing. Allele origin: unknown. Affected: yes. Study: The Canadian Open Genetics Repository (COGR).
Comment: The BRCA2 p.Ser2509Asn variant was not identified in the literature nor was it identified in the dbSNP, Clinvitae database, Fanconi Anemia Mutation Database (LOVD), LOVD-IARC database, ARUP Laboratories BRCA Mutations Database, COSMIC, the ClinVar database, GeneInsight COGR database, the BIC database, UMD and Fanconi Anemia Mutation Database (LOVD) databases. The p.Ser2509 residue is conserved across mammals and other organisms, and four out of five computational analyses (PolyPhen-2, SIFT, AlignGVGD, BLOSUM, MutationTaster) suggest that the p.Ser2509Asn variant may impact the protein; however, this information is not predictive enough to assume pathogenicity. The variant occurs outside of the splicing consensus sequence and 2 of 5 in silico or computational prediction software programs (SpliceSiteFinder, MaxEntScan, NNSPLICE, GeneSplicer, HumanSpliceFinder) predict a greater than 10% difference in splicing. However, this information is not predictive enough to assume pathogenicity. In summary, based on the above information, the clinical significance of this variant cannot be determined with certainty at this time. This variant is classified as a variant of uncertain significance.